The following is an entry in ClinVar:

ClinVar aggregate classification (germline): Likely pathogenic (1 of 4 stars; one submission).

Conditions:
Dilated cardiomyopathy 1G (CMD1G). Identifiers: Orphanet 154, MedGen C1858763, MONDO:0011400, OMIM 604145.

Submission:

Juno Genomics, Hangzhou Juno Genomics, Inc
Classification: Likely pathogenic for Dilated cardiomyopathy 1G. Review status: criteria provided, single submitter. Criteria: ACMG Guidelines, 2015. Collection method: clinical testing. Allele origin: germline.
Comment: Absent from controls (or at extremely low frequency if recessive) in Genome Aggregation Database.;Null variant in a gene where loss of function (LOF) is a known mechanism of disease.

NM_001267550.2(TTN):c.89863del (p.Asp29955fs)

Genes: TTN (titin; minus strand), TTN-AS1 (TTN antisense RNA 1; plus strand). Cytogenetic location: 2q31.2.
Variant type: Deletion.
Coding change: c.89863del on transcript NM_001267550.2 (MANE Select); coding-DNA position 89863, one base deleted (G; older notation c.89863delG).
Protein change: p.Asp29955fs; shifts the reading frame from aspartic acid 29955.
Molecular consequence: frameshift variant.
Genome position (GRCh38, 1-based): chr2:178,553,037, C deleted on the plus strand (G on the coding strand, the reverse complement: TTN is on the minus strand); the first of 3 consecutive C bases (chr2:178,553,037-178,553,039); deleting any one gives the same sequence. VCF-style (leftmost placement, unchanged base first): chr2-178553036-TC-T. GRCh37 (hg19) VCF-style: chr2-179417763-TC-T.
Other names: c.84940del, p.Asp28314fs (NM_001256850.1); c.62668del, p.Asp20890fs (NM_003319.4); c.82159del, p.Asp27387fs (NM_133378.4); c.63043del, p.Asp21015fs (NM_133432.3); c.63244del, p.Asp21082fs (NM_133437.4); short protein forms D20890fs, D21015fs, D21082fs, D27387fs, D28314fs, D29955fs.
Identifiers: ClinVar variation 5020050 (VCV005020050.2).